The following is an entry in ClinVar:

NM_172107.4(KCNQ2):c.1159C>T (p.Pro387Ser)

Gene: KCNQ2 (potassium voltage-gated channel subfamily Q member 2; minus strand). Cytogenetic location: 20q13.33.
Variant type: single nucleotide variant.
Coding change: c.1159C>T on transcript NM_172107.4 (MANE Select); coding-DNA position 1159, C replaced by T.
Protein change: p.Pro387Ser; replaces proline 387 with serine.
Molecular consequence: missense variant.
Genome position (GRCh38, 1-based): chr20:63,428,425, G>A on the plus strand (C>T on the coding strand, the complement: KCNQ2 is on the minus strand). VCF-style: chr20-63428425-G-A. GRCh37 (hg19) VCF-style: chr20-62059778-G-A.
Other names: c.1159C>T, p.Pro387Ser (NM_001382235.1, NM_001439003.1, NM_172106.3 and 1 more transcripts); c.1129C>T, p.Pro377Ser (NM_001439004.1, NM_004518.6); short protein forms P387S, P377S.
Identifiers: ClinVar variation 4744476 (VCV004744476.1).

ClinVar aggregate classification (germline): Uncertain significance (1 of 4 stars; one submission).

Conditions:
Early-infantile DEE. Also called: Ohtahara syndrome; Early infantile epileptic encephalopathy with suppression bursts; Early infantile epileptic encephalopathy. Identifiers: Orphanet 1934, MedGen C0393706, MONDO:0800491.

gnomAD v4.1: 3 of 1,589,870 alleles (0.00019%); highest among the groups gnomAD compares: East Asian, 0.0023%; no homozygotes.

Submission:

Labcorp Genetics (formerly Invitae), Labcorp
Classification: Uncertain significance for Early-infantile DEE. Last evaluated: 2025-08-03. Review status: criteria provided, single submitter. Criteria: Invitae Variant Classification Sherloc (09022015). Collection method: clinical testing. Allele origin: germline.
Comment: This sequence change replaces proline, which is neutral and non-polar, with serine, which is neutral and polar, at codon 387 of the KCNQ2 protein (p.Pro387Ser). The frequency data for this variant in the population databases is considered unreliable, as metrics indicate poor data quality at this position in the gnomAD database. This variant has not been reported in the literature in individuals affected with KCNQ2-related conditions. Invitae Evidence Modeling of protein sequence and biophysical properties (such as structural, functional, and spatial information, amino acid conservation, physicochemical variation, residue mobility, and thermodynamic stability) has been performed for this missense variant. However, the output from this modeling did not meet the statistical confidence thresholds required to predict the impact of this variant on KCNQ2 protein function. In summary, the available evidence is currently insufficient to determine the role of this variant in disease. Therefore, it has been classified as a Variant of Uncertain Significance.